The following is an entry in ClinVar:

NM_001034853.2(RPGR):c.2447del (p.Gly816fs)

Gene: RPGR (retinitis pigmentosa GTPase regulator; minus strand). Cytogenetic location: Xp11.4.
Variant type: Deletion.
Coding change: c.2447del on transcript NM_001034853.2 (MANE Select); coding-DNA position 2447, one base deleted (G; older notation c.2447delG).
Protein change: p.Gly816fs; shifts the reading frame from glycine 816.
Molecular consequence: frameshift variant. On other transcripts: intron variant (8).
Genome position (GRCh38, 1-based): chrX:38,286,552, C deleted on the plus strand (G on the coding strand, the reverse complement: RPGR is on the minus strand); the first of 3 consecutive C bases (chrX:38,286,552-38,286,554); deleting any one gives the same sequence. VCF-style (leftmost placement, unchanged base first): chrX-38286551-TC-T. GRCh37 (hg19) VCF-style: chrX-38145804-TC-T.
Other names: c.1569+4407del (NM_001367249.1, NM_001367250.1); c.1902+542del (NM_001367245.1); c.1386+4407del (NM_001367251.1); c.1719+542del (NM_001367246.1); c.1572+4407del (NM_001367247.1); c.1905+542del (NM_000328.3); c.1602+4407del (NM_001367248.1); short protein forms G816fs.
Identifiers: ClinVar variation 813090 (VCV000813090.3), dbSNP rs1854473658, ClinGen allele CA916083899.

ClinVar aggregate classification (germline): Pathogenic/Likely pathogenic. Review status: criteria provided, multiple submitters, no conflicts (2 of 4 stars). 3 submissions from 2 submitters: Pathogenic (1); Likely pathogenic (1). 1 of the submissions does not count toward it. Last evaluated 2020-01-09.

Conditions:
Retinitis pigmentosa (RP). Identifiers: Orphanet 791, MedGen C0035334, MeSH D012174, MONDO:0019200, OMIM 268000. Inheritance: Autosomal dominant, autosomal recessive and X linked inheritance.
Retinal dystrophy. Also called: Inherited retinal dystrophy. Identifiers: Orphanet 71862, MedGen C0854723, MeSH D058499, MONDO:0019118, HP:0000556.
Retinitis pigmentosa 3. Also called: CHOROIDORETINAL DEGENERATION WITH RETINAL REFLEX IN HETEROZYGOUS WOMEN. Identifiers: Orphanet 791, MedGen C1845667, MONDO:0010227, OMIM 300029.

Submissions (3):

Molecular Genetics Laboratory, Institute for Ophthalmic Research
Classification: Pathogenic for Retinitis pigmentosa. Last evaluated: 2020-01-09. Review status: criteria provided, single submitter. Criteria: ACMG Guidelines, 2015. Collection method: research. Allele origin: germline. Affected: yes.

Blueprint Genetics
Classification: Likely pathogenic for Retinal dystrophy. Last evaluated: 2019-08-06. Review status: criteria provided, single submitter. Criteria: Blueprint Genetics Variant Classification Scheme. Collection method: clinical testing. Allele origin: germline. Affected: yes.

Blueprint Genetics
Classification: Likely pathogenic for Retinitis pigmentosa 3. Review status: no assertion criteria provided. Collection method: clinical testing. Allele origin: germline. Affected: yes. Not counted in ClinVar's aggregate classification.